The following is an entry in ClinVar:

GRCh38/hg38 15q15.3(chr15:43602539-43707912)x1

Genes: CATSPER2 (cation channel sperm associated 2; minus strand), CKMT1A (creatine kinase, mitochondrial 1A; plus strand), STRC (stereocilin; minus strand), LOC130056948 (ATAC-STARR-seq lymphoblastoid active region 9316; plus strand), LOC130056949 (ATAC-STARR-seq lymphoblastoid active region 9317; plus strand). Cytogenetic location: 15q15.3.
Variant type: copy number loss.
Change: copy number 1 (one copy instead of two) of chr15:43,602,539-43,707,912 (105.4 kb, GRCh38 coordinates, 1-based), cytogenetic band 15q15.3.
Identifiers: ClinVar variation 4796038 (VCV004796038.1).

ClinVar aggregate classification (germline): Uncertain significance (1 of 4 stars; one submission).

Submission:

Medical Genetic Center, Changzhi Maternal and Child Health Care Hospital
Classification: Uncertain significance. Last evaluated: 2025-12-10. Review status: criteria provided, single submitter. Criteria: ACMG/ClinGen CNV Guidelines, 2019. Collection method: clinical testing. Allele origin: unknown.
Comment: STRC deletion cariirer